The following is an entry in ClinVar:

NM_005689.4(ABCB6):c.1651T>G (p.Tyr551Asp)

Gene: ABCB6 (ATP binding cassette subfamily B member 6 (LAN blood group); minus strand). Cytogenetic location: 2q35.
Variant type: single nucleotide variant.
Coding change: c.1651T>G on transcript NM_005689.4 (MANE Select); coding-DNA position 1651, T replaced by G.
Protein change: p.Tyr551Asp; replaces tyrosine 551 with aspartic acid.
Molecular consequence: missense variant.
Genome position (GRCh38, 1-based): chr2:219,213,594, A>C on the plus strand (T>G on the coding strand, the complement: ABCB6 is on the minus strand). VCF-style: chr2-219213594-A-C. GRCh37 (hg19) VCF-style: chr2-220078316-A-C.
Other names: c.1513T>G, p.Tyr505Asp (NM_001349828.2); short protein forms Y505D, Y551D.
Identifiers: ClinVar variation 1303313 (VCV001303313.3), dbSNP rs1290968004, ClinGen allele CA350634473.

ClinVar aggregate classification (germline): Uncertain significance. Review status: criteria provided, multiple submitters, no conflicts (2 of 4 stars). 2 submissions from 2 submitters: Uncertain significance (2). Last evaluated 2024-01-16.

Conditions:
Inborn genetic diseases. Identifiers: MedGen C0950123, MeSH D030342.

Allele frequency attached by ClinVar (database versions not stated): TOPMed below 0.00001.
gnomAD v4.1: 3 of 1,614,180 alleles (0.00019%); highest among the groups gnomAD compares: African/African-American, 0.0013%; no homozygotes.

Submissions (2):

Ambry Genetics
Classification: Uncertain significance for Inborn genetic diseases. Last evaluated: 2024-01-16. Review status: criteria provided, single submitter. Criteria: Ambry Variant Classification Scheme 2023. Collection method: clinical testing. Allele origin: germline.

GeneDx
Classification: Uncertain significance. Last evaluated: 2020-02-24. Review status: criteria provided, single submitter. Criteria: GeneDx Variant Classification Process June 2021. Collection method: clinical testing. Allele origin: germline. Affected: yes.
Comment: Not observed in large population cohorts (Lek et al., 2016); In silico analysis supports that this missense variant has a deleterious effect on protein structure/function; Has not been previously published as pathogenic or benign to our knowledge